The following is an entry in ClinVar:

ClinVar aggregate classification (germline): Uncertain significance (1 of 4 stars; one submission).

Allele frequency attached by ClinVar (database versions not stated): gnomAD exomes below 0.00001; TOPMed below 0.00001; gnomAD 0.00001.
gnomAD v4.1: 6 of 1,613,684 alleles (0.00037%); highest among the groups gnomAD compares: Admixed American, 0.0083%; no homozygotes.

Submission:

Labcorp Genetics (formerly Invitae), Labcorp
Classification: Uncertain significance. Last evaluated: 2022-02-21. Review status: criteria provided, single submitter. Criteria: Invitae Variant Classification Sherloc (09022015). Collection method: clinical testing. Allele origin: germline.
Comment: This sequence change replaces tyrosine, which is neutral and polar, with cysteine, which is neutral and slightly polar, at codon 151 of the SCP2 protein (p.Tyr151Cys). This variant is present in population databases (no rsID available, gnomAD 0.003%). This variant has not been reported in the literature in individuals affected with SCP2-related conditions. Algorithms developed to predict the effect of missense changes on protein structure and function output the following: SIFT: "Deleterious"; PolyPhen-2: "Benign"; Align-GVGD: "Class C25". The cysteine amino acid residue is found in multiple mammalian species, which suggests that this missense change does not adversely affect protein function. In summary, the available evidence is currently insufficient to determine the role of this variant in disease. Therefore, it has been classified as a Variant of Uncertain Significance.

NM_002979.5(SCP2):c.452A>G (p.Tyr151Cys)

Gene: SCP2 (sterol carrier protein 2; plus strand). Cytogenetic location: 1p32.3.
Variant type: single nucleotide variant.
Coding change: c.452A>G on transcript NM_002979.5 (MANE Select); coding-DNA position 452, A replaced by G.
Protein change: p.Tyr151Cys; replaces tyrosine 151 with cysteine.
Molecular consequence: missense variant.
Genome position (GRCh38, 1-based): chr1:52,961,558, A>G. VCF-style: chr1-52961558-A-G. GRCh37 (hg19) VCF-style: chr1-53427230-A-G.
Other names: c.320A>G, p.Tyr107Cys (NM_001007098.3, NM_001193600.2); c.380A>G, p.Tyr127Cys (NM_001193599.2); c.209A>G, p.Tyr70Cys (NM_001193617.2); c.452A>G, p.Tyr151Cys (NM_001330587.2); short protein forms Y107C, Y70C, Y127C, Y151C.
Identifiers: ClinVar variation 1913676 (VCV001913676.2), dbSNP rs1156720917, ClinGen allele CA340377736.